The following is an entry in ClinVar:

NM_006218.4(PIK3CA):c.278G>A (p.Arg93Gln)

Gene: PIK3CA (phosphatidylinositol-4,5-bisphosphate 3-kinase catalytic subunit alpha; plus strand). Cytogenetic location: 3q26.32.
Variant type: single nucleotide variant.
Coding change: c.278G>A on transcript NM_006218.4 (MANE Select); coding-DNA position 278, G replaced by A.
Protein change: p.Arg93Gln; replaces arginine 93 with glutamine.
Molecular consequence: missense variant.
Genome position (GRCh38, 1-based): chr3:179,199,103, G>A. VCF-style: chr3-179199103-G-A. GRCh37 (hg19) VCF-style: chr3-178916891-G-A.
Other names: c.278G>A (LRG_310t1); short protein forms R93Q.
Identifiers: ClinVar variation 419128 (VCV000419128.9), dbSNP rs1064793663, ClinGen allele CA16617846.

ClinVar aggregate classification (germline): Pathogenic. Review status: criteria provided, multiple submitters, no conflicts (2 of 4 stars). 4 submissions from 4 submitters: Pathogenic (4). Last evaluated 2026-03-28.
ClinVar aggregate classification (somatic clinical impact): Tier II - Potential (1 of 4 stars; one submission).

Conditions:
PIK3CA constitutional syndrome.
Hypospadias. Also called: hypospadia. Identifiers: MedGen C0848558, MONDO:0005345, HP:0000047.
Macrocephaly. Also called: Macrocephalus; large head. Identifiers: MedGen C2243051, HP:0000256.
Global developmental delay (DD). Also called: Cognitive delay. Identifiers: MedGen C0557874, HP:0001263. Disease mechanism: loss of function.
Cowden syndrome 5 (CWS5). Identifiers: Orphanet 201, MedGen C3554518, MONDO:0014047, OMIM 615108.
Neuroblastoma (NB). Identifiers: Orphanet 635, MedGen C0027819, MeSH D009447, MONDO:0005072, HP:0003006.

Submissions (5):

Laboratoire de Cytogenomique, Chu Angers
Classification: Pathogenic for PIK3CA constitutional syndrome. Last evaluated: 2026-03-28. Review status: criteria provided, single submitter. Criteria: ACMG Guidelines, 2015. Collection method: clinical testing. Allele origin: germline. Affected: yes. Observed: 5 variant alleles.
Comment: The PIK3CA NM_006218.4:c.278G>A (p.Arg93Gln) variant is a missense variant affecting the PI3K adaptor-binding domain (PI3K-ABD) of the p110α protein, a critical region involved in interaction with the regulatory subunit p85 and proper protein activation (PM1, PP2). This variant is absent from population databases (gnomAD v4) (PM2). The variant was identified in five affected individuals from two unrelated families and segregates with the phenotype across multiple affected relatives, including two mother–child transmissions (PP1_moderate). Affected individuals consistently presented with macrocephaly (ranging from +2 to +5.8 SD), often associated with neurodevelopmental impairment, including global developmental delay, intellectual disability, language delay, and behavioral abnormalities such as autistic features, hyperactivity, and low frustration tolerance. Craniofacial dysmorphism was frequent and included narrow mouth, high palate, low-set ears and telecanthus. Limb anomalies were common, including tapered fingers, camptodactyly, polydactyly, syndactyly, and joint hypermobility. Additional systemic features included congenital heart defects, urogenital anomalies (hypospadias, cryptorchidism), endocrine abnormalities (advanced puberty). Brain imaging abnormalities were also observed, including white matter signal changes and Chiari type I malformation. In silico prediction tools support a deleterious effect on the protein (PP3). This variant has been previously reported in individuals with constitutional PIK3CA-related phenotypes (PMID: 23946963), supporting its clinical relevance (PP5_very_strong). In summary, this variant is classified as pathogenic according to ACMG/AMP criteria: PM1, PM2, PP1_moderate, PP2, PP3 , PP5_very_strong.

Institute for Genomic Medicine (IGM) Clinical Laboratory, Nationwide Children's Hospital
Classification: Tier II - Potential for Neuroblastoma. Assertion type: diagnostic. Clinical significance: supports diagnosis. Last evaluated: 2024-04-23. Review status: criteria provided, single submitter. Criteria: AMP/ASCO/CAP Guidelines, 2017. Collection method: clinical testing. Allele origin: somatic. Affected: yes.
Comment: Variant has Tier II (potential) clinical significance as a diagnostic inclusion criterion in neuroblastoma, based on the following evidence: 1) Documented in one or more cancer databases (e.g., St. Jude Pecan, COSMIC, CIViC, OncoKB). 2) Information in the literature supports potential biologic effect of variant (PMID: 21266528). 3) Assists in diagnosis alone or along with other biomarkers based on small studies or few case reports (Evidence Level D; PMIDs: 16822308, 23334666, 36037157).

3billion
Classification: Pathogenic for Cowden syndrome 5. Last evaluated: 2024-02-27. Review status: criteria provided, single submitter. Criteria: ACMG Guidelines, 2015. Collection method: clinical testing. Allele origin: germline. Affected: yes.
Comment: The variant is not observed in the gnomAD v2.1.1 dataset. Predicted Consequence/Location: The variant is located in a mutational hot spot and/or well-established functional domain in which established pathogenic variants have been reported (PMID: 26637981, PMID). Missense changes are a common disease-causing mechanism. In silico tool predictions suggest damaging effect of the variant on gene or gene product [REVEL: 0.59 (>=0.6, sensitivity 0.68 and specificity 0.92); 3Cnet: 0.70 (>=0.6, sensitivity 0.72 and precision 0.9)]. Same nucleotide change resulting in same amino acid change has been previously reported as pathogenic/likely pathogenic with strong evidence (ClinVar ID: VCV000419128 /PMID: 27631024). The variant has been previously reported as de novo in a similarly affected individual (PMID: 27631024). A different missense change at the same codon (p.Arg93Trp) has been reported as pathogenic/likely pathogenic with strong evidence (ClinVar ID: VCV001198826 /3billion dataset). Therefore, this variant is classified as Pathogenic according to the recommendation of ACMG/AMP guideline.

Laboratory of Medical Genetics, University of Torino
Classification: Pathogenic for Global developmental delay; Macrocephaly; Hypospadias. Last evaluated: 2022-11-29. Review status: criteria provided, single submitter. Criteria: ACMG Guidelines, 2015. Collection method: research. Allele origin: germline. Affected: yes. Study: NeuroWES.

GeneDx
Classification: Pathogenic. Last evaluated: 2022-03-14. Review status: criteria provided, single submitter. Criteria: GeneDx Variant Classification Process June 2021. Collection method: clinical testing. Allele origin: germline. Affected: yes.
Comment: Not observed at significant frequency in large population cohorts (gnomAD); In silico analysis supports that this missense variant has a deleterious effect on protein structure/function; This variant is associated with the following publications: (PMID: 24608573, 27631024, 21266528, 26325104, 27191687, 34357101, 34257602, 30996962, 28418920, 33046444, 32547192, 26722235, 21478295, 28027320, 27782854, 24714777)

Literature cited by the submitters: PubMed 23946963 (cited by Laboratoire de Cytogenomique, Chu Angers); PubMed 21266528 (cited by Institute for Genomic Medicine (IGM) Clinical Laboratory, Nationwide Children's Hospital); PubMed 16822308 (cited by Institute for Genomic Medicine (IGM) Clinical Laboratory, Nationwide Children's Hospital); PubMed 23334666 (cited by Institute for Genomic Medicine (IGM) Clinical Laboratory, Nationwide Children's Hospital); PubMed 36037157 (cited by Institute for Genomic Medicine (IGM) Clinical Laboratory, Nationwide Children's Hospital); PubMed 27631024 (cited by 3billion).